The following is an entry in ClinVar:

NM_000161.3(GCH1):c.582G>A (p.Thr194=)

Gene: GCH1 (GTP cyclohydrolase 1; minus strand). Cytogenetic location: 14q22.2.
Variant type: single nucleotide variant.
Coding change: c.582G>A on transcript NM_000161.3 (MANE Select); coding-DNA position 582, G replaced by A.
Protein change: p.Thr194=; no amino-acid change (threonine 194 retained).
Molecular consequence: synonymous variant.
Genome position (GRCh38, 1-based): chr14:54,845,812, C>T on the plus strand (G>A on the coding strand, the complement: GCH1 is on the minus strand). VCF-style: chr14-54845812-C-T. GRCh37 (hg19) VCF-style: chr14-55312530-C-T.
Other names: c.582G>A, p.Thr194= (NM_001024024.2, NM_001024070.2, NM_001024071.2).
Identifiers: ClinVar variation 313392 (VCV000313392.14), dbSNP rs199836777, ClinGen allele CA7193533.

ClinVar aggregate classification (germline): Conflicting classifications of pathogenicity. Review status: criteria provided, conflicting classifications (1 of 4 stars). 4 submissions from 3 submitters: Uncertain significance (1); Benign (1); Likely benign (2). Last evaluated 2026-01-07.

Conditions:
GTP cyclohydrolase I deficiency. Identifiers: MedGen C0268467, MONDO:0100184.
Dystonia 5 (DRD). Also called: DYSTONIA, PROGRESSIVE, WITH DIURNAL VARIATION; DYSTONIA-PARKINSONISM WITH DIURNAL FLUCTUATION; DYT-GCH1; GTP Cyclohydrolase 1-Deficient Dopa-Responsive Dystonia; Dystonia, DOPA-responsive, with or without hyperphenylalaninemia. Identifiers: Orphanet 98808, MedGen C1851920, MONDO:0007495, OMIM 128230.

Allele frequency attached by ClinVar (database versions not stated): TOPMed 0.00005; gnomAD 0.00006 and 0.00007; gnomAD exomes 0.00006 and 0.00011; ExAC 0.00011; ESP Exome Variant Server 0.00015; 1000 Genomes Project 30x 0.00031; 1000 Genomes Project 0.00040.
gnomAD v4.1: 88 of 1,611,122 alleles (0.0055%); highest among the groups gnomAD compares: Admixed American, 0.03%; no homozygotes.

Submissions (4):

Labcorp Genetics (formerly Invitae), Labcorp
Classification: Likely benign for GTP cyclohydrolase I deficiency; Dystonia 5. Last evaluated: 2026-01-07. Review status: criteria provided, single submitter. Criteria: Invitae Variant Classification Sherloc (09022015). Collection method: clinical testing. Allele origin: germline.

Blueprint Genetics
Classification: Likely benign. Last evaluated: 2023-06-29. Review status: criteria provided, single submitter. Criteria: ACMG Guidelines, 2015. Collection method: clinical testing. Allele origin: germline.

Illumina Laboratory Services, Illumina
Classification: Benign for Dystonia 5. Last evaluated: 2018-01-13. Review status: criteria provided, single submitter. Criteria: ICSL Variant Classification Criteria 13 December 2019. Collection method: clinical testing. Allele origin: germline.
Comment: This variant was observed in the ICSL laboratory as part of a predisposition screen in an ostensibly healthy population. It had not been previously curated by ICSL or reported in the Human Gene Mutation Database (HGMD: prior to June 1st, 2018), and was therefore a candidate for classification through an automated scoring system. Utilizing variant allele frequency, disease prevalence and penetrance estimates, and inheritance mode, an automated score was calculated to assess if this variant is too frequent to cause the disease. Based on the score and internal cut-off values, a variant classified as benign is not then subjected to further curation. The score for this variant resulted in a classification of benign for this disease.

Illumina Laboratory Services, Illumina
Classification: Uncertain significance for GTP cyclohydrolase I deficiency with hyperphenylalaninemia. Last evaluated: 2018-01-13. Review status: criteria provided, single submitter. Criteria: ICSL Variant Classification Criteria 13 December 2019. Collection method: clinical testing. Allele origin: germline.